The following is an entry in ClinVar:

NM_001776.6(ENTPD1):c.1296_1301del (p.Asp432_Trp434delinsGlu)

Genes: ENTPD1 (ectonucleoside triphosphate diphosphohydrolase 1; plus strand), ENTPD1-AS1 (ENTPD1 antisense RNA 1; minus strand). Cytogenetic location: 10q24.1.
Variant type: Deletion.
Coding change: c.1296_1301del on transcript NM_001776.6 (MANE Select); coding-DNA positions 1296 to 1301, 6 bases deleted (TTCCTG; older notation c.1296_1301delTTCCTG).
Protein change: p.Asp432_Trp434delinsGlu.
Molecular consequence: inframe indel.
Genome position (GRCh38, 1-based): chr10:95,864,831-95,864,836, TTCCTG deleted. VCF-style (leftmost placement, unchanged base first): chr10-95864830-ATTCCTG-A. GRCh37 (hg19) VCF-style: chr10-97624587-ATTCCTG-A.
Other names: c.1317_1322del, p.Asp439_Trp441delinsGlu (NM_001098175.2); c.1332_1337del, p.Asp444_Trp446delinsGlu (NM_001164178.1, NM_001320916.1); c.1173_1178del, p.Asp391_Trp393delinsGlu (NM_001164179.2); c.972_977del, p.Asp324_Trp326delinsGlu (NM_001164181.1, NM_001312654.1); c.882_887del, p.Asp294_Trp296delinsGlu (NM_001164182.2, NM_001164183.2).
Identifiers: ClinVar variation 1959667 (VCV001959667.5), dbSNP rs751421466, ClinGen allele CA5621607.

ClinVar aggregate classification (germline): Uncertain significance (1 of 4 stars; one submission).

Conditions:
Hereditary spastic paraplegia 64. Also called: ENTPD1-Related Neurodevelopmental Disorder; Spastic paraplegia 64, autosomal recessive. Identifiers: Orphanet 401810, MedGen C3810289, MONDO:0014303, OMIM 615683.

Allele frequency attached by ClinVar (database versions not stated): ExAC 0.00001; gnomAD exomes 0.00001; ESP Exome Variant Server 0.00008.

Submission:

Labcorp Genetics (formerly Invitae), Labcorp
Classification: Uncertain significance for Hereditary spastic paraplegia 64. Last evaluated: 2022-11-22. Review status: criteria provided, single submitter. Criteria: Invitae Variant Classification Sherloc (09022015). Collection method: clinical testing. Allele origin: germline.
Comment: This variant has not been reported in the literature in individuals affected with ENTPD1-related conditions. Experimental studies and prediction algorithms are not available or were not evaluated, and the functional significance of this variant is currently unknown. In summary, the available evidence is currently insufficient to determine the role of this variant in disease. Therefore, it has been classified as a Variant of Uncertain Significance. This variant is present in population databases (rs751421466, gnomAD 0.01%). This variant, c.1296_1301del, results in the deletion of 3 and insertion of 1 amino acid(s) of the ENTPD1 protein (p.Asp432_Trp434delinsGlu), but otherwise preserves the integrity of the reading frame.